The following is an entry in ClinVar:

ClinVar aggregate classification (germline): Likely benign (1 of 4 stars; one submission).

Allele frequency attached by ClinVar (database versions not stated): gnomAD exomes below 0.00001.
gnomAD v4.1: 2 of 1,613,986 alleles (0.00012%); highest among the groups gnomAD compares: Non-Finnish European, 0.00017%; no homozygotes.

Submission:

GeneDx
Classification: Likely benign. Last evaluated: 2014-02-19. Review status: criteria provided, single submitter. Criteria: GeneDx Variant Classification (06012015). Collection method: clinical testing. Allele origin: germline. Affected: yes.
Comment: This variant is considered likely benign or benign based on one or more of the following criteria: it is a conservative change, it occurs at a poorly conserved position in the protein, it is predicted to be benign by multiple in silico algorithms, and/or has population frequency not consistent with disease.

NM_003850.3(SUCLA2):c.219A>C (p.Lys73Asn)

Gene: SUCLA2 (succinate-CoA ligase ADP-forming subunit beta; minus strand). Cytogenetic location: 13q14.2.
Variant type: single nucleotide variant.
Coding change: c.219A>C on transcript NM_003850.3 (MANE Select); coding-DNA position 219, A replaced by C.
Protein change: p.Lys73Asn; replaces lysine 73 with asparagine.
Molecular consequence: missense variant.
Genome position (GRCh38, 1-based): chr13:47,996,895, T>G on the plus strand (A>C on the coding strand, the complement: SUCLA2 is on the minus strand). VCF-style: chr13-47996895-T-G. GRCh37 (hg19) VCF-style: chr13-48571030-T-G.
Other names: p.K73N:AAA>AAC; short protein forms K73N.
Identifiers: ClinVar variation 203948 (VCV000203948.1), dbSNP rs796052043, ClinGen allele CA313004.